The following is an entry in ClinVar:

ClinVar aggregate classification (germline): Uncertain significance. Review status: criteria provided, multiple submitters, no conflicts (2 of 4 stars). 2 submissions from 2 submitters: Uncertain significance (2). Last evaluated 2026-03-25.

Conditions:
Pseudopseudohypoparathyroidism (PPHP). Also called: ALBRIGHT HEREDITARY OSTEODYSTROPHY WITHOUT MULTIPLE HORMONE RESISTANCE; Pseudopseudohypoparathyroidism (PPHP). Identifiers: Orphanet 79445, MedGen C0033835, MONDO:0012912, OMIM 612463.
GNAS-related disorder. Identifiers: MedGen CN380105.

gnomAD v4.1: 3 of 1,607,528 alleles (0.00019%); highest among the groups gnomAD compares: Admixed American, 0.0034%; no homozygotes.

Submissions (2):

Clinical Genomics Laboratory, Washington University in St. Louis
Classification: Uncertain significance for Pseudopseudohypoparathyroidism. Last evaluated: 2026-03-25. Review status: criteria provided, single submitter. Criteria: ACMG Guidelines, 2015. Collection method: clinical testing. Allele origin: germline.
Comment: A GNAS c.172C>T (p.Pro58Ser) variant was identified at a near heterozygous allelic fraction of 48.9%, a frequency which may be consistent with it being of germline origin. The GNAS c.172C>T (p.Pro58Ser) variant, to our knowledge, has not been reported in the medical literature. This variant is only observed in 3/1,607,528 alleles in the general population (gnomAD v4.1.0), indicating it is not a common variant. Computational predictors are uncertain as to the impact of this variant on GNAS function. Due to limited information, and based on ACMG/AMP guidelines for variant interpretation (Richards S et al., PMID: 25741868), the clinical significance of this variant is uncertain at this time.

PreventionGenetics, part of Exact Sciences
Classification: Uncertain significance for GNAS-related condition. Last evaluated: 2025-08-12. Review status: criteria provided, single submitter. Criteria: ACMG Guidelines, 2015. Collection method: clinical testing. Allele origin: germline.
Comment: The GNAS c.172C>T variant is predicted to result in the amino acid substitution p.Pro58Ser. In the canonical transcript (NM_000516.7), this variant is found within a pre-coding region (c.-38290C>T). To our knowledge, this variant has not been reported in the literature or in gnomAD, indicating this variant is rare. At this time, the clinical significance of this variant is uncertain due to the absence of conclusive functional and genetic evidence.

NM_080425.4(GNAS):c.172C>T (p.Pro58Ser)

Gene: GNAS (GNAS complex locus; plus strand). Cytogenetic location: 20q13.32.
Variant type: single nucleotide variant.
Coding change: c.172C>T on transcript NM_080425.4 (MANE Plus Clinical); coding-DNA position 172, C replaced by T.
Protein change: p.Pro58Ser; replaces proline 58 with serine.
Molecular consequence: missense variant. On other transcripts: 5 prime UTR variant (2), intron variant (3).
Genome position (GRCh38, 1-based): chr20:58,853,437, C>T. VCF-style: chr20-58853437-C-T. GRCh37 (hg19) VCF-style: chr20-57428492-C-T.
Other names: c.-16C>T (NM_001077490.3, NM_001309883.1); c.172C>T, p.Pro58Ser (NM_001410913.1); c.*42+12551C>T (NM_016592.5); c.43+12551C>T (NM_001410912.1); c.-39+11562C>T (NM_001309861.2); c.172C>T (NM_080425.3); short protein forms P58S.
Identifiers: ClinVar variation 4974637 (VCV004974637.2).